The following is an entry in ClinVar:

NM_001127222.2(CACNA1A):c.5152A>T (p.Ile1718Phe)

Gene: CACNA1A (calcium voltage-gated channel subunit alpha1 A; minus strand). Cytogenetic location: 19p13.13.
Variant type: single nucleotide variant.
Coding change: c.5152A>T on transcript NM_001127222.2 (MANE Select); coding-DNA position 5152, A replaced by T.
Protein change: p.Ile1718Phe; replaces isoleucine 1718 with phenylalanine.
Molecular consequence: missense variant.
Genome position (GRCh38, 1-based): chr19:13,235,018, T>A on the plus strand (A>T on the coding strand, the complement: CACNA1A is on the minus strand). VCF-style: chr19-13235018-T-A. GRCh37 (hg19) VCF-style: chr19-13345832-T-A.
Other names: c.5170A>T, p.Ile1724Phe (NM_000068.4, NM_023035.3); c.5155A>T, p.Ile1719Phe (NM_001127221.2); c.5161A>T, p.Ile1721Phe (NM_001174080.2); short protein forms I1721F, I1724F, I1719F, I1718F.
Identifiers: ClinVar variation 2091622 (VCV002091622.4), dbSNP rs2055826253, ClinGen allele CA404335741.

ClinVar aggregate classification (germline): Uncertain significance (1 of 4 stars; one submission).

Conditions:
Episodic ataxia type 2 (EA2). Also called: ATAXIA, EPISODIC, WITH NYSTAGMUS; ATAXIA, FAMILIAL PAROXYSMAL; CEREBELLAR ATAXIA, PAROXYSMAL, ACETAZOLAMIDE-RESPONSIVE; CEREBELLOPATHY, HEREDITARY PAROXYSMAL; EPISODIC ATAXIA, NYSTAGMUS-ASSOCIATED; ACETAZOLAMIDE-RESPONSIVE HEREDITARY PAROXYSMAL CEREBELLAR ATAXIA. Identifiers: Orphanet 97, MedGen C1720416, MONDO:0007163, OMIM 108500.
Developmental and epileptic encephalopathy, 42 (DEE42A). Also called: Epileptic encephalopathy, early infantile, 42; DEVELOPMENTAL AND EPILEPTIC ENCEPHALOPATHY 42A; EPILEPTIC ENCEPHALOPATHY, EARLY INFANTILE, 42A. Identifiers: MedGen C4310716, MONDO:0014917, OMIM 617106.

Allele frequency attached by ClinVar (database versions not stated): TOPMed below 0.00001; gnomAD 0.00001.
gnomAD v4.1: 1 of 1,613,238 alleles (0.000062%); highest among the groups gnomAD compares: African/African-American, 0.0013%; no homozygotes.

Submission:

Labcorp Genetics (formerly Invitae), Labcorp
Classification: Uncertain significance for Developmental and epileptic encephalopathy, 42; Episodic ataxia type 2. Last evaluated: 2024-05-08. Review status: criteria provided, single submitter. Criteria: Invitae Variant Classification Sherloc (09022015). Collection method: clinical testing. Allele origin: germline.
Comment: This sequence change replaces isoleucine, which is neutral and non-polar, with phenylalanine, which is neutral and non-polar, at codon 1719 of the CACNA1A protein (p.Ile1719Phe). This variant is not present in population databases (gnomAD no frequency). This variant has not been reported in the literature in individuals affected with CACNA1A-related conditions. ClinVar contains an entry for this variant (Variation ID: 2091622). Advanced modeling of protein sequence and biophysical properties (such as structural, functional, and spatial information, amino acid conservation, physicochemical variation, residue mobility, and thermodynamic stability) performed at Invitae indicates that this missense variant is not expected to disrupt CACNA1A protein function with a negative predictive value of 95%. In summary, the available evidence is currently insufficient to determine the role of this variant in disease. Therefore, it has been classified as a Variant of Uncertain Significance.